The following is an entry in ClinVar:

NM_000492.4(CFTR):c.3999del (p.Lys1334fs)

Gene: CFTR (CF transmembrane conductance regulator; plus strand). Cytogenetic location: 7q31.2.
Variant type: Deletion.
Coding change: c.3999del on transcript NM_000492.4 (MANE Select); coding-DNA position 3999, one base deleted (G; older notation c.3999delG).
Protein change: p.Lys1334fs; shifts the reading frame from lysine 1334.
Molecular consequence: frameshift variant.
Genome position (GRCh38, 1-based): chr7:117,664,723, G deleted; the last of 3 consecutive G bases (chr7:117,664,721-117,664,723); deleting any one gives the same sequence. VCF-style (leftmost placement, unchanged base first): chr7-117664720-TG-T. GRCh37 (hg19) VCF-style: chr7-117304774-TG-T.
Other names: c.3999delG (NM_000492.4); short protein forms K1334fs.
Identifiers: ClinVar variation 282970 (VCV000282970.10), dbSNP rs886042527, ClinGen allele CA10604357.

ClinVar aggregate classification (germline): Pathogenic. Review status: criteria provided, multiple submitters, no conflicts (2 of 4 stars). 4 submissions from 4 submitters: Pathogenic (4). Last evaluated 2026-01-27.

Conditions:
Cystic fibrosis (CF). Also called: MUCOVISCIDOSIS. Identifiers: Orphanet 586, MedGen C0010674, MONDO:0009061, OMIM 219700. Disease mechanism: loss of function.

Submissions (4):

Labcorp Genetics (formerly Invitae), Labcorp
Classification: Pathogenic for Cystic fibrosis. Last evaluated: 2026-01-27. Review status: criteria provided, single submitter. Criteria: Invitae Variant Classification Sherloc (09022015). Collection method: clinical testing. Allele origin: germline.
Comment: This sequence change creates a premature translational stop signal (p.Lys1334Serfs*13) in the CFTR gene. It is expected to result in an absent or disrupted protein product. Loss-of-function variants in CFTR are known to be pathogenic (PMID: 1695717, 7691345, 9725922). This variant is not present in population databases (gnomAD no frequency). This variant has not been reported in the literature in individuals affected with CFTR-related conditions. ClinVar contains an entry for this variant (Variation ID: 282970). For these reasons, this variant has been classified as Pathogenic.

Women's Health and Genetics/Laboratory Corporation of America, LabCorp
Classification: Pathogenic for Cystic fibrosis. Last evaluated: 2025-11-18. Review status: criteria provided, single submitter. Criteria: LabCorp Variant Classification Summary - May 2015. Collection method: clinical testing. Allele origin: germline.
Comment: Variant summary: CFTR c.3999delG (p.Lys1334SerfsX13) results in a premature termination codon, predicted to cause a truncation of the encoded protein or absence of the protein due to nonsense mediated decay, which are commonly known mechanisms for disease. The variant was absent in 251144 control chromosomes. c.3999delG has been observed in individual(s) affected with Cystic Fibrosis (example, daSilvaFilho_2021). The following publication has been ascertained in the context of this evaluation (PMID: 32819855). ClinVar contains an entry for this variant (Variation ID: 282970). Based on the evidence outlined above, the variant was classified as pathogenic.

Mendelics
Classification: Pathogenic for Cystic fibrosis. Last evaluated: 2018-11-05. Review status: criteria provided, single submitter. Criteria: Mendelics Assertion Criteria 2017. Collection method: clinical testing. Allele origin: unknown. Affected: yes.

Eurofins Ntd Llc (ga)
Classification: Pathogenic. Last evaluated: 2015-09-04. Review status: criteria provided, single submitter. Criteria: EGL Classification Definitions 2015. Collection method: clinical testing. Allele origin: germline. Observed: 1 variant allele, 1 heterozygote.

Literature cited by the submitters: PubMed 1695717 (cited by Labcorp Genetics (formerly Invitae), Labcorp); PubMed 7691345 (cited by Labcorp Genetics (formerly Invitae), Labcorp); PubMed 9725922 (cited by Labcorp Genetics (formerly Invitae), Labcorp); PubMed 32819855 (cited by Women's Health and Genetics/Laboratory Corporation of America, LabCorp).